The following is an entry in ClinVar:

ClinVar aggregate classification (germline): Uncertain significance. Review status: criteria provided, multiple submitters, no conflicts (2 of 4 stars). 2 submissions from 2 submitters: Uncertain significance (2). Last evaluated 2023-05-23.

Conditions:
Amyotrophic lateral sclerosis type 4 (ALS4). Also called: NEURONOPATHY, DISTAL HEREDITARY MOTOR, WITH PYRAMIDAL FEATURES; AMYOTROPHIC LATERAL SCLEROSIS 4, JUVENILE. Identifiers: Orphanet 357043, MedGen C1865409, MONDO:0011223, OMIM 602433.
Spinocerebellar ataxia, autosomal recessive, with axonal neuropathy 2 (SCAN2). Also called: Ataxia with Oculomotor Apraxia; Ataxia with Oculomotor Apraxia Type 2; ATAXIA-OCULOMOTOR APRAXIA 2; Ataxia-ocular apraxia-2. Identifiers: Orphanet 64753, MedGen C1853761, MONDO:0018996, OMIM 606002.

Submissions (2):

Labcorp Genetics (formerly Invitae), Labcorp
Classification: Uncertain significance for Amyotrophic lateral sclerosis type 4; Spinocerebellar ataxia, autosomal recessive, with axonal neuropathy 2. Last evaluated: 2023-05-23. Review status: criteria provided, single submitter. Criteria: Invitae Variant Classification Sherloc (09022015). Collection method: clinical testing. Allele origin: germline.
Comment: This variant, c.4924_4947del, results in the deletion of 8 amino acid(s) of the SETX protein (p.Pro1642_Val1649del), but otherwise preserves the integrity of the reading frame. In summary, the available evidence is currently insufficient to determine the role of this variant in disease. Therefore, it has been classified as a Variant of Uncertain Significance. Experimental studies and prediction algorithms are not available or were not evaluated, and the functional significance of this variant is currently unknown. ClinVar contains an entry for this variant (Variation ID: 2091432). This variant has not been reported in the literature in individuals affected with SETX-related conditions. This variant is not present in population databases (gnomAD no frequency).

GeneDx
Classification: Uncertain significance. Last evaluated: 2022-12-12. Review status: criteria provided, single submitter. Criteria: GeneDx Variant Classification Process June 2021. Collection method: clinical testing. Allele origin: germline. Affected: yes.
Comment: Not observed at significant frequency in large population cohorts (gnomAD); In-frame deletion of 8 amino acids in a non-repeat region; In silico analysis supports that this variant does not alter protein structure/function; Has not been previously published as pathogenic or benign to our knowledge

NM_015046.7(SETX):c.4924_4947del (p.Pro1642_Val1649del)

Gene: SETX (senataxin; minus strand). Cytogenetic location: 9q34.13.
Variant type: Deletion.
Coding change: c.4924_4947del on transcript NM_015046.7 (MANE Select); coding-DNA positions 4924 to 4947, 24 bases deleted (CCCCTCATAGCTCAGAAGCCAGTT).
Protein change: p.Pro1642_Val1649del.
Molecular consequence: inframe deletion. On other transcripts: inframe indel (1).
Genome position (GRCh38, 1-based): chr9:132,326,651-132,326,674, AACTGGCTTCTGAGCTATGAGGGG deleted on the plus strand (CCCCTCATAGCTCAGAAGCCAGTT on the coding strand, the reverse complement: SETX is on the minus strand); deleting any 24 consecutive bases within chr9:132,326,651-132,326,682 gives the same sequence; the c. name uses the placement nearest the transcript's 3' end. VCF-style (leftmost placement, unchanged base first): chr9-132326650-CAACTGGCTTCTGAGCTATGAGGGG-C. GRCh37 (hg19) VCF-style: chr9-135202037-CAACTGGCTTCTGAGCTATGAGGGG-C.
Other names: c.4924_4947del, p.Pro1642_Val1649del (NM_001351527.2, NM_001351528.2); c.4916_4939del24, p.Pro1642_Val1649del (NM_015046.5); c.4924_4947del (NM_015046.5).
Identifiers: ClinVar variation 2091432 (VCV002091432.5), dbSNP rs2539089712, ClinGen allele CA2580079878.